The following is an entry in ClinVar:

NM_205836.3(FBXO38):c.1170A>G (p.Ile390Met)

Gene: FBXO38 (F-box protein 38; plus strand). Cytogenetic location: 5q32.
Variant type: single nucleotide variant.
Coding change: c.1170A>G on transcript NM_205836.3 (MANE Select); coding-DNA position 1170, A replaced by G.
Protein change: p.Ile390Met; replaces isoleucine 390 with methionine.
Molecular consequence: missense variant.
Genome position (GRCh38, 1-based): chr5:148,414,212, A>G. VCF-style: chr5-148414212-A-G. GRCh37 (hg19) VCF-style: chr5-147793775-A-G.
Other names: c.1170A>G, p.Ile390Met (NM_001271723.2, NM_030793.5); short protein forms I390M.
Identifiers: ClinVar variation 855709 (VCV000855709.11), dbSNP rs751242312, ClinGen allele CA3497223.

ClinVar aggregate classification (germline): Conflicting classifications of pathogenicity. Review status: criteria provided, conflicting classifications (1 of 4 stars). 2 submissions from 2 submitters: Uncertain significance (1); Likely benign (1). Last evaluated 2025-06-04.

Conditions:
Distal hereditary motor neuropathy type 2. Identifiers: Orphanet 139525, MedGen C3711384, MeSH C580044, MONDO:0015352.

Allele frequency attached by ClinVar (database versions not stated): gnomAD exomes 0.00001 and 0.00002; gnomAD 0.00001; ExAC 0.00003; TOPMed 0.00001.
gnomAD v4.1: 5 of 1,612,922 alleles (0.00031%); highest among the groups gnomAD compares: Non-Finnish European, 0.00042%; no homozygotes.

Submissions (2):

Labcorp Genetics (formerly Invitae), Labcorp
Classification: Likely benign for Distal hereditary motor neuropathy type 2. Last evaluated: 2025-06-04. Review status: criteria provided, single submitter. Criteria: Invitae Variant Classification Sherloc (09022015). Collection method: clinical testing. Allele origin: germline.

Ambry Genetics
Classification: Uncertain significance. Last evaluated: 2019-12-13. Review status: criteria provided, single submitter. Criteria: Ambry Variant Classification Scheme 2023. Collection method: clinical testing. Allele origin: germline.
Comment: The p.I390M variant (also known as c.1170A>G), located in coding exon 9 of the FBXO38 gene, results from an A to G substitution at nucleotide position 1170. The isoleucine at codon 390 is replaced by methionine, an amino acid with highly similar properties. This amino acid position is highly conserved in available vertebrate species. In addition, this alteration is predicted to be tolerated by in silico analysis. Since supporting evidence is limited at this time, the clinical significance of this alteration remains unclear.